The following is an entry in ClinVar:

NM_001164664.2(MAST4):c.1636_1644del (p.Pro546_Thr548del)

Gene: MAST4 (microtubule associated serine/threonine kinase family member 4; plus strand). Cytogenetic location: 5q12.3.
Variant type: Deletion.
Coding change: c.1636_1644del on transcript NM_001164664.2 (MANE Select); coding-DNA positions 1636 to 1644, 9 bases deleted (CCAGAAACA; older notation c.1636_1644delCCAGAAACA).
Protein change: p.Pro546_Thr548del.
Genome position (GRCh38, 1-based): chr5:67,118,726-67,118,734, CCAGAAACA deleted; deleting any 9 consecutive bases within chr5:67,118,718-67,118,734 gives the same sequence; the c. name uses the placement nearest the transcript's 3' end. VCF-style (leftmost placement, unchanged base first): chr5-67118717-GCAGAAACAC-G. GRCh37 (hg19) VCF-style: chr5-66414545-GCAGAAACAC-G.
Other names: c.1018_1026del, p.Pro340_Thr342del (NM_001290226.2); c.1054_1062del, p.Pro352_Thr354del (NM_001290227.2, NM_001297651.2, NM_001393527.1); c.1645_1653del, p.Pro549_Thr551del (NM_001393524.1); c.1636_1644del, p.Pro546_Thr548del (NM_001393525.1); c.1069_1077del, p.Pro357_Thr359del (NM_001393526.1, NM_015183.3); c.1033_1041del, p.Pro345_Thr347del (NM_001393528.1).
Identifiers: ClinVar variation 4084033 (VCV004084033.8).

ClinVar aggregate classification (germline): Uncertain significance (1 of 4 stars; one submission).

Submission:

CeGaT Center for Human Genetics Tuebingen
Classification: Uncertain significance. Last evaluated: 2025-06-01. Review status: criteria provided, single submitter. Criteria: CeGaT Center For Human Genetics Tuebingen Variant Classification Criteria Version 2. Collection method: clinical testing. Allele origin: germline. Affected: yes. Observed: 1 variant allele.
Comment: MAST4: PM4, BP5, BS1:Supporting